The following is an entry in ClinVar:

NM_013245.3(VPS4A):c.997G>A (p.Asp333Asn)

Gene: VPS4A (vacuolar protein sorting 4 homolog A; plus strand). Cytogenetic location: 16q22.1.
Variant type: single nucleotide variant.
Coding change: c.997G>A on transcript NM_013245.3 (MANE Select); coding-DNA position 997, G replaced by A.
Protein change: p.Asp333Asn; replaces aspartic acid 333 with asparagine.
Molecular consequence: missense variant.
Genome position (GRCh38, 1-based): chr16:69,321,196, G>A. VCF-style: chr16-69321196-G-A. GRCh37 (hg19) VCF-style: chr16-69355099-G-A.
Other names: short protein forms D333N.
Identifiers: ClinVar variation 2573854 (VCV002573854.1), dbSNP rs2544553309, ClinGen allele CA396473146.
Genomic context (GRCh38, chr16:69,321,196, plus strand): 5'-AACCTCACGGATGCAAACATCCACGAGCTGGCCCGGAAGACGGAAGGCTACTCGGGCGCG[G>A]ACATCAGCATCATCGTGCGGGACTCTCTCATGCAGCCCGTGAGGAAGGTGCAGTCGGCCA-3'
Protein context (NP_037377.1, residues 323-343): ARKTEGYSGA[Asp333Asn]ISIIVRDSLM

ClinVar aggregate classification (germline): Uncertain significance (1 of 4 stars; one submission).

Submission:

GeneDx
Classification: Uncertain significance. Last evaluated: 2023-01-22. Review status: criteria provided, single submitter. Criteria: GeneDx Variant Classification Process June 2021. Collection method: clinical testing. Allele origin: germline. Affected: yes.
Comment: Not observed at significant frequency in large population cohorts (gnomAD); In silico analysis supports that this missense variant has a deleterious effect on protein structure/function; Has not been previously published as pathogenic or benign to our knowledge